The following is an entry in ClinVar:

NM_000092.5(COL4A4):c.4444del (p.Leu1482fs)

Gene: COL4A4 (collagen type IV alpha 4 chain; minus strand). Cytogenetic location: 2q36.3.
Variant type: Deletion.
Coding change: c.4444del on transcript NM_000092.5 (MANE Select); coding-DNA position 4444, one base deleted (C; older notation c.4444delC).
Protein change: p.Leu1482fs; shifts the reading frame from leucine 1482.
Molecular consequence: frameshift variant.
Genome position (GRCh38, 1-based): chr2:227,010,391, G deleted on the plus strand (C on the coding strand, the reverse complement: COL4A4 is on the minus strand); the first of 5 consecutive G bases (chr2:227,010,391-227,010,395); deleting any one gives the same sequence. VCF-style (leftmost placement, unchanged base first): chr2-227010390-AG-A. GRCh37 (hg19) VCF-style: chr2-227875106-AG-A.
Other names: short protein forms L1482fs.
Identifiers: ClinVar variation 1073470 (VCV001073470.10), dbSNP rs764752384, ClinGen allele CA539867348.

ClinVar aggregate classification (germline): Pathogenic. Review status: criteria provided, multiple submitters, no conflicts (2 of 4 stars). 2 submissions from 2 submitters: Pathogenic (2). Last evaluated 2022-04-08.

Conditions:
COL4A4-related disorder.

Submissions (2):

Labcorp Genetics (formerly Invitae), Labcorp
Classification: Pathogenic. Last evaluated: 2022-04-08. Review status: criteria provided, single submitter. Criteria: Invitae Variant Classification Sherloc (09022015). Collection method: clinical testing. Allele origin: germline.
Comment: This premature translational stop signal has been observed in individual(s) with Alport syndrome (PMID: 24033287, 30808327). It has also been observed to segregate with disease in related individuals. The frequency data for this variant in the population databases is considered unreliable, as metrics indicate poor data quality at this position in the gnomAD database. This sequence change creates a premature translational stop signal (p.Leu1482Trpfs*70) in the COL4A4 gene. It is expected to result in an absent or disrupted protein product. Loss-of-function variants in COL4A4 are known to be pathogenic (PMID: 21196518, 24854265, 25307543). ClinVar contains an entry for this variant (Variation ID: 1073470). For these reasons, this variant has been classified as Pathogenic.

Blueprint Genetics
Classification: Pathogenic for COL4A4-related disorders. Last evaluated: 2022-01-26. Review status: criteria provided, single submitter. Criteria: ACMG Guidelines, 2015. Collection method: clinical testing. Allele origin: germline. Affected: yes. Observed: 1 variant allele.

Literature cited by the submitters: PubMed 24033287 (cited by Labcorp Genetics (formerly Invitae), Labcorp); PubMed 30808327 (cited by Labcorp Genetics (formerly Invitae), Labcorp); PubMed 21196518 (cited by Labcorp Genetics (formerly Invitae), Labcorp); PubMed 24854265 (cited by Labcorp Genetics (formerly Invitae), Labcorp); PubMed 25307543 (cited by Labcorp Genetics (formerly Invitae), Labcorp).